The following is an entry in ClinVar:

NC_012920.1(MT-CO3):m.9477G>C

Gene: MT-CO3 (mitochondrially encoded cytochrome c oxidase III; plus strand).
Variant type: single nucleotide variant.
Genome position: chrM-9477-G-C.
Identifiers: ClinVar variation 693170 (VCV000693170.1), dbSNP rs2853825, ClinGen allele CA414803028.
Genomic context (GRCh38, chrMT:9,477, plus strand): 5'-CACACACCACCTGTCCAAAAAGGCCTTCGATACGGGATAATCCTATTTATTACCTCAGAA[G>C]TTTTTTTCTTCGCAGGATTTTTCTGAGCCTTTTACCACTCCAGCCTAGCCCCTACCCCCC-3'

ClinVar aggregate classification (germline): Uncertain significance (1 of 4 stars; one submission).

Conditions:
Leigh syndrome (NULS). Also called: Leigh's necrotizing encephalopathy; Leigh's disease; Leigh Syndrome (mtDNA deletion); Leigh Disease; Subacute necrotizing encephalopathy; Necrotizing encephalopathy infantile subacute of Leigh. Identifiers: Orphanet 506, MedGen C2931891, MONDO:0009723, OMIM 256000.

Submission:

Wong Mito Lab, Molecular and Human Genetics, Baylor College of Medicine
Classification: Uncertain significance for Leigh syndrome. Last evaluated: 2019-10-17. Review status: criteria provided, single submitter. Criteria: Modified ACMG Guidelines (Unpublished). Collection method: clinical testing. Allele origin: germline.
Comment: The NC_012920.1:m.9477G>C (YP_003024032.1:p.Val91Leu) variant in MTCO3 gene is interpretated to be a Uncertain Significance variant based on the modified ACMG guidelines (unpublished). This variant meets the following evidence codes: PP6, PP7, BP4